The following is an entry in ClinVar:

ClinVar aggregate classification (germline): Pathogenic (1 of 4 stars; one submission).

Submission:

Labcorp Genetics (formerly Invitae), Labcorp
Classification: Pathogenic. Last evaluated: 2022-04-19. Review status: criteria provided, single submitter. Criteria: Invitae Variant Classification Sherloc (09022015). Collection method: clinical testing. Allele origin: germline.
Comment: For these reasons, this variant has been classified as Pathogenic. This variant has not been reported in the literature in individuals affected with PRG4-related conditions. This variant is not present in population databases (gnomAD no frequency). This sequence change creates a premature translational stop signal (p.Arg1284Glufs*5) in the PRG4 gene. It is expected to result in an absent or disrupted protein product. Loss-of-function variants in PRG4 are known to be pathogenic (PMID: 10545950, 16429407).

Literature cited by the submitters: PubMed 10545950; PubMed 16429407.

NM_005807.6(PRG4):c.3850del (p.Arg1284fs)

Genes: PRG4 (proteoglycan 4; plus strand), TPR (translocated promoter region, nuclear basket protein; minus strand). Cytogenetic location: 1q31.1.
Variant type: Deletion.
Coding change: c.3850del on transcript NM_005807.6 (MANE Select); coding-DNA position 3850, one base deleted (A; older notation c.3850delA).
Protein change: p.Arg1284fs; shifts the reading frame from arginine 1284.
Molecular consequence: frameshift variant. On other transcripts: 3 prime UTR variant (1).
Genome position (GRCh38, 1-based): chr1:186,312,231, A deleted; the last of 2 consecutive A bases (chr1:186,312,230-186,312,231); deleting either gives the same sequence. VCF-style (leftmost placement, unchanged base first): chr1-186312229-GA-G. GRCh37 (hg19) VCF-style: chr1-186281361-GA-G.
Other names: c.3727del, p.Arg1243fs (NM_001127708.3); c.3571del, p.Arg1191fs (NM_001127709.3); c.3448del, p.Arg1150fs (NM_001127710.3); c.3721del, p.Arg1241fs (NM_001303232.2); c.*1741del (NM_003292.3); short protein forms R1241fs, R1284fs, R1150fs, R1243fs, R1191fs.
Identifiers: ClinVar variation 2127928 (VCV002127928.4), dbSNP rs2526444928, ClinGen allele CA2580061704.